The following is an entry in ClinVar:

ClinVar aggregate classification (germline): Uncertain significance (1 of 4 stars; one submission).

Conditions:
Hereditary cancer-predisposing syndrome. Also called: Neoplastic Syndromes, Hereditary; Tumor predisposition; Hereditary neoplastic syndrome; Hereditary Cancer Syndrome. Identifiers: Orphanet 140162, MedGen C0027672, MeSH D009386, MONDO:0015356.

gnomAD v4.1: 1 of 1,612,276 alleles (0.000062%); no homozygotes.

Submission:

Ambry Genetics
Classification: Uncertain significance for Hereditary cancer-predisposing syndrome. Last evaluated: 2022-12-07. Review status: criteria provided, single submitter. Criteria: Ambry Variant Classification Scheme 2023. Collection method: clinical testing. Allele origin: germline.
Comment: The c.-5G>C variant is located in the 5' untranslated region (5&rsquo; UTR) of the FLCN gene. This variant results from a G to C substitution 5 bases upstream from the first translated codon. This nucleotide position is well conserved in available vertebrate species. Since supporting evidence is limited at this time, the clinical significance of this alteration remains unclear.

NM_144997.7(FLCN):c.-5G>C

Gene: FLCN (folliculin; minus strand). Cytogenetic location: 17p11.2.
Variant type: single nucleotide variant.
Coding change: c.-5G>C on transcript NM_144997.7 (MANE Select); 5 bases upstream of the start codon, G replaced by C.
Molecular consequence: 5 prime UTR variant.
Genome position (GRCh38, 1-based): chr17:17,228,142, C>G on the plus strand (G>C on the coding strand, the complement: FLCN is on the minus strand). VCF-style: chr17-17228142-C-G. GRCh37 (hg19) VCF-style: chr17-17131456-C-G.
Other names: c.-5G>C (NM_001353229.2, NM_001353230.2, NM_001353231.2 and 1 more transcripts).
Identifiers: ClinVar variation 2451819 (VCV002451819.2), dbSNP rs2544315948, ClinGen allele CA2580092685.